The following is an entry in ClinVar:

ClinVar aggregate classification (germline): Uncertain significance. Review status: criteria provided, multiple submitters, no conflicts (2 of 4 stars). 2 submissions from 2 submitters: Uncertain significance (2). Last evaluated 2025-01-31.

Conditions:
Inborn genetic diseases. Identifiers: MedGen C0950123, MeSH D030342.
3-methylcrotonyl-CoA carboxylase 2 deficiency. Also called: METHYLCROTONYLGLYCINURIA, TYPE II; 3 alpha methylcrotonyl-CoA carboxylase 2 deficiency; 3 alpha methylcrotonylglycinuria 2; MCC 2 deficiency; Methylcrotonylglycinuria type 2. Identifiers: Orphanet 6, MedGen C1859499, MONDO:0008862, OMIM 210210.

Allele frequency attached by ClinVar (database versions not stated): TOPMed below 0.00001; ExAC 0.00001.
gnomAD v4.1: 12 of 1,614,046 alleles (0.00074%); highest among the groups gnomAD compares: East Asian, 0.0089%; no homozygotes.

Submissions (2):

Ambry Genetics
Classification: Uncertain significance for Inborn genetic diseases. Last evaluated: 2025-01-31. Review status: criteria provided, single submitter. Criteria: Ambry Variant Classification Scheme 2023. Collection method: clinical testing. Allele origin: germline.

Labcorp Genetics (formerly Invitae), Labcorp
Classification: Uncertain significance for 3-methylcrotonyl-CoA carboxylase 2 deficiency. Last evaluated: 2022-07-20. Review status: criteria provided, single submitter. Criteria: Invitae Variant Classification Sherloc (09022015). Collection method: clinical testing. Allele origin: germline.
Comment: This sequence change replaces alanine, which is neutral and non-polar, with threonine, which is neutral and polar, at codon 551 of the MCCC2 protein (p.Ala551Thr). This variant is present in population databases (rs780335341, gnomAD 0.003%). This variant has not been reported in the literature in individuals affected with MCCC2-related conditions. Algorithms developed to predict the effect of missense changes on protein structure and function (SIFT, PolyPhen-2, Align-GVGD) all suggest that this variant is likely to be tolerated. In summary, the available evidence is currently insufficient to determine the role of this variant in disease. Therefore, it has been classified as a Variant of Uncertain Significance.

NM_022132.5(MCCC2):c.1651G>A (p.Ala551Thr)

Gene: MCCC2 (methylcrotonyl-CoA carboxylase subunit 2; plus strand). Cytogenetic location: 5q13.2.
Variant type: single nucleotide variant.
Coding change: c.1651G>A on transcript NM_022132.5 (MANE Select); coding-DNA position 1651, G replaced by A.
Protein change: p.Ala551Thr; replaces alanine 551 with threonine.
Molecular consequence: missense variant.
Genome position (GRCh38, 1-based): chr5:71,656,819, G>A. VCF-style: chr5-71656819-G-A. GRCh37 (hg19) VCF-style: chr5-70952646-G-A.
Other names: c.1537G>A, p.Ala513Thr (NM_001363147.1); c.1651G>A (NM_022132.4); short protein forms A551T, A513T.
Identifiers: ClinVar variation 2180883 (VCV002180883.2), dbSNP rs780335341, ClinGen allele CA3298230.
Genomic context (GRCh38, chr5:71,656,819, plus strand): 5'-ATCATTGATCCAGCAGACACCAGACTGGTCTTGGGTCTCAGTTTTAGTGCAGCCCTCAAC[G>A]CACCAATAGAGAAGACTGACTTCGGTATCTTCAGGATGTAACTGGAATAAAGGATGTTTT-3'
Protein context (NP_071415.1, residues 541-561): LGLSFSAALN[Ala551Thr]PIEKTDFGIF